The following is an entry in ClinVar:

NM_005982.4(SIX1):c.522C>G (p.Asn174Lys)

Genes: MIR9718 (microRNA 9718; plus strand), SIX1 (SIX homeobox 1; minus strand). Cytogenetic location: 14q23.1.
Variant type: single nucleotide variant.
Coding change: c.522C>G on transcript NM_005982.4 (MANE Select); coding-DNA position 522, C replaced by G.
Protein change: p.Asn174Lys; replaces asparagine 174 with lysine.
Molecular consequence: missense variant. On other transcripts: non-coding transcript variant (1), intron variant (1).
Genome position (GRCh38, 1-based): chr14:60,648,668, G>C on the plus strand (C>G on the coding strand, the complement: SIX1 is on the minus strand). VCF-style: chr14-60648668-G-C. GRCh37 (hg19) VCF-style: chr14-61115386-G-C.
Other names: c.501+21C>G (NM_001425142.1); short protein forms N174K.
Identifiers: ClinVar variation 4278572 (VCV004278572.1).

ClinVar aggregate classification (germline): Pathogenic/Likely pathogenic. Review status: criteria provided, multiple submitters, no conflicts (2 of 4 stars). 2 submissions from 2 submitters: Pathogenic (1); Likely pathogenic (1). Last evaluated 2026-03-11.

Conditions:
Branchiootic syndrome 2 (BOS2). Also called: BO SYNDROME 2. Identifiers: MedGen C1852718, MONDO:0007360, OMIM 120502.

Submissions (2):

Institute of Human Genetics, University of Leipzig Medical Center
Classification: Likely pathogenic for Branchiootic syndrome 2. Last evaluated: 2026-03-11. Review status: criteria provided, single submitter. Criteria: ACMG Guidelines, 2015. Collection method: clinical testing. Allele origin: unknown. Inheritance: Autosomal dominant inheritance. Affected: yes.
Comment: Criteria applied: PM1,PM2,PM5_SUP,PP3

GeneDx
Classification: Pathogenic. Last evaluated: 2025-04-06. Review status: criteria provided, single submitter. Criteria: GeneDx Variant Classification Process June 2021. Collection method: clinical testing. Allele origin: germline. Affected: yes.
Comment: In silico analysis supports that this missense variant has a deleterious effect on protein structure/function; Not observed at significant frequency in large population cohorts (gnomAD); This variant is associated with the following publications: (PMID: 37795857)